The following is an entry in ClinVar:

ClinVar aggregate classification (germline): Uncertain significance. Review status: criteria provided, multiple submitters, no conflicts (2 of 4 stars). 5 submissions from 5 submitters: Uncertain significance (5). Last evaluated 2025-12-04.

Conditions:
Inborn genetic diseases. Identifiers: MedGen C0950123, MeSH D030342.
Saldino-Mainzer syndrome (SRTD9). Also called: short-rib thoracic dysplasia 9 with or without polydactyly; CONORENAL SYNDROME; Renal dysplasia, retinal pigmentary dystrophy, cerebellar ataxia and skeletal dysplasia; SHORT-RIB THORACIC DYSPLASIA 9 WITHOUT POLYDACTYLY. Identifiers: Orphanet 140969, MedGen C1849437, MONDO:0009964, OMIM 266920.
IFT140-related disorder. Also called: IFT140-related condition.
Retinitis pigmentosa 80 (RP80). Identifiers: MedGen C4540439, MONDO:0054708, OMIM 617781.

Allele frequency attached by ClinVar (database versions not stated): gnomAD 0.00001 and 0.00002; gnomAD exomes 0.00002; ExAC 0.00003; TOPMed 0.00004.
gnomAD v4.1: 68 of 1,611,338 alleles (0.0042%); highest among the groups gnomAD compares: Admixed American, 0.01%; no homozygotes.

Submissions (5):

Ambry Genetics
Classification: Uncertain significance for Inborn genetic diseases. Last evaluated: 2025-12-04. Review status: criteria provided, single submitter. Criteria: Ambry Variant Classification Scheme 2023. Collection method: clinical testing. Allele origin: germline.

PreventionGenetics, part of Exact Sciences
Classification: Uncertain significance for IFT140-related condition. Last evaluated: 2025-03-05. Review status: criteria provided, single submitter. Criteria: ACMG Guidelines, 2015. Collection method: clinical testing. Allele origin: germline.
Comment: The IFT140 c.3563G>A variant is predicted to result in the amino acid substitution p.Arg1188Gln. To our knowledge, this variant has not been reported in the literature. This variant is present in 0.0088% of alleles in individuals of Latino descent in gnomAD. At this time, the clinical significance of this variant is uncertain due to the absence of conclusive functional and genetic evidence.

GeneDx
Classification: Uncertain significance. Last evaluated: 2024-11-16. Review status: criteria provided, single submitter. Criteria: GeneDx Variant Classification Process June 2021. Collection method: clinical testing. Allele origin: germline. Affected: yes.
Comment: In silico analysis supports that this missense variant has a deleterious effect on protein structure/function; Has not been previously published as pathogenic or benign to our knowledge

Labcorp Genetics (formerly Invitae), Labcorp
Classification: Uncertain significance for Saldino-Mainzer syndrome. Last evaluated: 2022-07-19. Review status: criteria provided, single submitter. Criteria: Invitae Variant Classification Sherloc (09022015). Collection method: clinical testing. Allele origin: germline.
Comment: This sequence change replaces arginine, which is basic and polar, with glutamine, which is neutral and polar, at codon 1188 of the IFT140 protein (p.Arg1188Gln). This variant is present in population databases (rs780533679, gnomAD 0.009%). This variant has not been reported in the literature in individuals affected with IFT140-related conditions. ClinVar contains an entry for this variant (Variation ID: 1412651). Algorithms developed to predict the effect of missense changes on protein structure and function are either unavailable or do not agree on the potential impact of this missense change (SIFT: "Deleterious"; PolyPhen-2: "Probably Damaging"; Align-GVGD: "Class C0"). In summary, the available evidence is currently insufficient to determine the role of this variant in disease. Therefore, it has been classified as a Variant of Uncertain Significance.

Fulgent Genetics
Classification: Uncertain significance for Saldino-Mainzer syndrome; Retinitis pigmentosa 80. Last evaluated: 2022-04-28. Review status: criteria provided, single submitter. Criteria: ACMG Guidelines, 2015. Collection method: clinical testing. Allele origin: unknown.

NM_014714.4(IFT140):c.3563G>A (p.Arg1188Gln)

Gene: IFT140 (intraflagellar transport 140; minus strand). Cytogenetic location: 16p13.3.
Variant type: single nucleotide variant.
Coding change: c.3563G>A on transcript NM_014714.4 (MANE Select); coding-DNA position 3563, G replaced by A.
Protein change: p.Arg1188Gln; replaces arginine 1188 with glutamine.
Molecular consequence: missense variant.
Genome position (GRCh38, 1-based): chr16:1,520,699, C>T on the plus strand (G>A on the coding strand, the complement: IFT140 is on the minus strand). VCF-style: chr16-1520699-C-T. GRCh37 (hg19) VCF-style: chr16-1570700-C-T.
Other names: c.3563G>A (NM_014714.3); short protein forms R1188Q.
Identifiers: ClinVar variation 1412651 (VCV001412651.7), dbSNP rs780533679, ClinGen allele CA7813115.
Genomic context (GRCh38, chr16:1,520,699, plus strand): 5'-GCCAGGTGGTAGCTGCCCTGGCGCATGCAGCAGTCTGCTATCTGCTCCAGCAGCTCCCGC[C>T]GCGACTCCTCAGGCAGGTCCGAGGAGTCCTTGGCCACGGTCATCTTTTCCGCCATCTCCT-3'
Protein context (NP_055529.2, residues 1178-1198): KDSSDLPEES[Arg1188Gln]RELLEQIADC